The following is an entry in ClinVar:

NM_001144967.3(NEDD4L):c.544T>C (p.Ser182Pro)

Gene: NEDD4L (NEDD4 like E3 ubiquitin protein ligase; plus strand). Cytogenetic location: 18q21.31.
Variant type: single nucleotide variant.
Coding change: c.544T>C on transcript NM_001144967.3 (MANE Select); coding-DNA position 544, T replaced by C.
Protein change: p.Ser182Pro; replaces serine 182 with proline.
Molecular consequence: missense variant.
Genome position (GRCh38, 1-based): chr18:58,325,026, T>C. VCF-style: chr18-58325026-T-C. GRCh37 (hg19) VCF-style: chr18-55992258-T-C.
Other names: c.181T>C, p.Ser61Pro (NM_001144964.1, NM_001144965.2, NM_001144966.3 and 2 more transcripts); c.520T>C, p.Ser174Pro (NM_001144968.2, NM_001144969.2); c.544T>C, p.Ser182Pro (NM_001243960.2, NM_015277.6); short protein forms S174P, S182P, S61P.
Identifiers: ClinVar variation 1041327 (VCV001041327.9), dbSNP rs760992833, ClinGen allele CA8975387.

ClinVar aggregate classification (germline): Conflicting classifications of pathogenicity. Review status: criteria provided, conflicting classifications (1 of 4 stars). 2 submissions from 2 submitters: Uncertain significance (1); Benign (1). Last evaluated 2024-12-02.

Allele frequency attached by ClinVar (database versions not stated): ExAC 0.00001; gnomAD 0.00005 and 0.00006; TOPMed 0.00005.
gnomAD v4.1: 20 of 1,613,856 alleles (0.0012%); highest among the groups gnomAD compares: Middle Eastern, 0.033%; no homozygotes.

Submissions (2):

Labcorp Genetics (formerly Invitae), Labcorp
Classification: Benign. Last evaluated: 2024-12-02. Review status: criteria provided, single submitter. Criteria: Invitae Variant Classification Sherloc (09022015). Collection method: clinical testing. Allele origin: germline.

Women's Health and Genetics/Laboratory Corporation of America, LabCorp
Classification: Uncertain significance. Last evaluated: 2024-05-03. Review status: criteria provided, single submitter. Criteria: LabCorp Variant Classification Summary - May 2015. Collection method: clinical testing. Allele origin: germline.
Comment: Variant summary: NEDD4L c.544T>C (p.Ser182Pro) results in a non-conservative amino acid change in the encoded protein sequence. Three of five in-silico tools predict a benign effect of the variant on protein function. The variant allele was found at a frequency of 3.6e-05 in 249122 control chromosomes (gnomAD). The available data on variant occurrences in the general population are insufficient to allow any conclusion about variant significance. To our knowledge, no occurrence of c.544T>C in individuals affected with Periventricular Nodular Heterotopia 7 and no experimental evidence demonstrating its impact on protein function have been reported. ClinVar contains an entry for this variant (Variation ID: 1041327). Based on the evidence outlined above, the variant was classified as uncertain significance.